The following is an entry in ClinVar:

NM_005051.3(QARS1):c.833T>C (p.Ile278Thr)

Gene: QARS1 (glutaminyl-tRNA synthetase 1; minus strand). Cytogenetic location: 3p21.31.
Variant type: single nucleotide variant.
Coding change: c.833T>C on transcript NM_005051.3 (MANE Select); coding-DNA position 833, T replaced by C.
Protein change: p.Ile278Thr; replaces isoleucine 278 with threonine.
Molecular consequence: missense variant. On other transcripts: non-coding transcript variant (1).
Genome position (GRCh38, 1-based): chr3:49,101,398, A>G on the plus strand (T>C on the coding strand, the complement: QARS1 is on the minus strand). VCF-style: chr3-49101398-A-G. GRCh37 (hg19) VCF-style: chr3-49138831-A-G.
Other names: c.800T>C, p.Ile267Thr (NM_001272073.2); short protein forms I267T, I278T.
Identifiers: ClinVar variation 1377830 (VCV001377830.8), dbSNP rs2107106208, ClinGen allele CA352714122.
Genomic context (GRCh38, chr3:49,101,398, plus strand): 5'-CCTAGACACATGCTTACCTTGGCATAGCCAAAGTTGAAATTGATGGCTTTGGCATGTCCA[A>G]TATGCAGGATTCCATTGGGTTCTGGCGGGAACCGGGTACGTACCTAAAATAAGGGGGATG-3'
Protein context (NP_005042.1, residues 268-288): FPPEPNGILH[Ile278Thr]GHAKAINFNF

ClinVar aggregate classification (germline): Uncertain significance (1 of 4 stars; one submission).

Conditions:
Diffuse cerebral and cerebellar atrophy - intractable seizures - progressive microcephaly syndrome. Also called: Microcephaly, progressive, with seizures and cerebral and cerebellar atrophy. Identifiers: Orphanet 404437, MedGen C4014239, MONDO:0014335, OMIM 615760.

Allele frequency attached by ClinVar (database versions not stated): gnomAD exomes below 0.00001.
gnomAD v4.1: 1 of 1,614,180 alleles (0.000062%); highest among the groups gnomAD compares: Non-Finnish European, 0.000085%; no homozygotes.

Submission:

Labcorp Genetics (formerly Invitae), Labcorp
Classification: Uncertain significance for Diffuse cerebral and cerebellar atrophy - intractable seizures - progressive microcephaly syndrome. Last evaluated: 2021-03-15. Review status: criteria provided, single submitter. Criteria: Invitae Variant Classification Sherloc (09022015). Collection method: clinical testing. Allele origin: germline.
Comment: In summary, the available evidence is currently insufficient to determine the role of this variant in disease. Therefore, it has been classified as a Variant of Uncertain Significance. Algorithms developed to predict the effect of missense changes on protein structure and function (SIFT, PolyPhen-2, Align-GVGD) all suggest that this variant is likely to be disruptive, but these predictions have not been confirmed by published functional studies and their clinical significance is uncertain. This variant has not been reported in the literature in individuals with QARS-related conditions. This variant is not present in population databases (ExAC no frequency). This sequence change replaces isoleucine with threonine at codon 278 of the QARS protein (p.Ile278Thr). The isoleucine residue is highly conserved and there is a moderate physicochemical difference between isoleucine and threonine.